The following is an entry in ClinVar:

ClinVar aggregate classification (germline): Uncertain significance (1 of 4 stars; one submission).

Conditions:
Amyotrophic lateral sclerosis type 5 (ALS5). Also called: AMYOTROPHIC LATERAL SCLEROSIS 5, JUVENILE. Identifiers: Orphanet 300605, MedGen C1865864, MONDO:0011196, OMIM 602099.
Hereditary spastic paraplegia 11. Also called: Spastic paraplegia, mental retardation and thin corpus callosum; SPASTIC PARAPLEGIA, AUTOSOMAL RECESSIVE, COMPLICATED, WITH THIN CORPUS CALLOSUM; SPASTIC PARAPLEGIA, AUTOSOMAL RECESSIVE, WITH MENTAL IMPAIRMENT AND THIN CORPUS CALLOSUM; Nakamura Osame syndrome; Autosomal recessive hereditary spastic paraplegia, mental impairment, and thin corpus callosum; Spastic Paraplegia 11. Identifiers: Orphanet 2822, MedGen C1858479, MONDO:0011445, OMIM 604360.
Charcot-Marie-Tooth disease axonal type 2X. Also called: CHARCOT-MARIE-TOOTH DISEASE, AXONAL, AUTOSOMAL RECESSIVE, TYPE 2X; CHARCOT-MARIE-TOOTH NEUROPATHY, TYPE 2X. Identifiers: Orphanet 466775, MedGen C5569024, MONDO:0014726, OMIM 616668.

Allele frequency attached by ClinVar (database versions not stated): TOPMed 0.00001.
gnomAD v4.1: 15 of 1,613,804 alleles (0.00093%); highest among the groups gnomAD compares: Non-Finnish European, 0.0013%; no homozygotes.

Submission:

Labcorp Genetics (formerly Invitae), Labcorp
Classification: Uncertain significance for Hereditary spastic paraplegia 11. Last evaluated: 2022-05-03. Review status: criteria provided, single submitter. Criteria: Invitae Variant Classification Sherloc (09022015). Collection method: clinical testing. Allele origin: germline.
Comment: This sequence change replaces alanine, which is neutral and non-polar, with proline, which is neutral and non-polar, at codon 2442 of the SPG11 protein (p.Ala2442Pro). This variant is not present in population databases (gnomAD no frequency). This missense change has been observed in individual(s) with amyotrophic lateral sclerosis (PMID: 23881933). ClinVar contains an entry for this variant (Variation ID: 573436). Algorithms developed to predict the effect of missense changes on protein structure and function are either unavailable or do not agree on the potential impact of this missense change (SIFT: "Tolerated"; PolyPhen-2: "Probably Damaging"; Align-GVGD: "Class C0"). In summary, the available evidence is currently insufficient to determine the role of this variant in disease. Therefore, it has been classified as a Variant of Uncertain Significance.

Literature cited by the submitters: PubMed 23881933 (cited by Labcorp Genetics (formerly Invitae), Labcorp).

NM_025137.4(SPG11):c.7324G>C (p.Ala2442Pro)

Gene: SPG11 (SPG11 vesicle trafficking associated, spatacsin; minus strand). Cytogenetic location: 15q21.1.
Variant type: single nucleotide variant.
Coding change: c.7324G>C on transcript NM_025137.4 (MANE Select); coding-DNA position 7324, G replaced by C.
Protein change: p.Ala2442Pro; replaces alanine 2442 with proline.
Molecular consequence: missense variant.
Genome position (GRCh38, 1-based): chr15:44,563,129, C>G on the plus strand (G>C on the coding strand, the complement: SPG11 is on the minus strand). VCF-style: chr15-44563129-C-G. GRCh37 (hg19) VCF-style: chr15-44855327-C-G.
Other names: c.6985G>C, p.Ala2329Pro (NM_001160227.2); short protein forms A2442P, A2329P.
Identifiers: ClinVar variation 573436 (VCV000573436.8), dbSNP rs765644977, ClinGen allele CA392209883.
Genomic context (GRCh38, chr15:44,563,129, plus strand): 5'-CATCTGTCAGAATCTGCTAACAGTACAAGAAAACAGACACCTATGAAATCATCTAACCTG[C>G]TAGCATGTCCTTTAGACAGCAACCTGTCTGAGGGTCCTTCAGAAGCACATTTACAATTTC-3'
Protein context (NP_079413.3, residues 2432-2443): QTGCCLKDML[Ala2442Pro]G